The following is an entry in ClinVar:

NM_001378418.1(TCF20):c.4934C>T (p.Ala1645Val)

Gene: TCF20 (transcription factor 20; minus strand). Cytogenetic location: 22q13.2.
Variant type: single nucleotide variant.
Coding change: c.4934C>T on transcript NM_001378418.1 (MANE Select); coding-DNA position 4934, C replaced by T.
Protein change: p.Ala1645Val; replaces alanine 1645 with valine.
Molecular consequence: missense variant.
Genome position (GRCh38, 1-based): chr22:42,210,372, G>A on the plus strand (C>T on the coding strand, the complement: TCF20 is on the minus strand). VCF-style: chr22-42210372-G-A. GRCh37 (hg19) VCF-style: chr22-42606378-G-A.
Other names: c.4934C>T, p.Ala1645Val (NM_005650.4, NM_181492.3); short protein forms A1645V.
Identifiers: ClinVar variation 2629370 (VCV002629370.1), dbSNP rs772527561, ClinGen allele CA10266565.

ClinVar aggregate classification (germline): Uncertain significance (1 of 4 stars; one submission).

Conditions:
TCF20-related disorder. Also called: TCF20-related condition.

Allele frequency attached by ClinVar (database versions not stated): TOPMed below 0.00001; ExAC 0.00001; gnomAD exomes 0.00003.
gnomAD v4.1: 46 of 1,614,144 alleles (0.0028%); highest among the groups gnomAD compares: Non-Finnish European, 0.0036%; no homozygotes.

Submission:

PreventionGenetics, part of Exact Sciences
Classification: Uncertain significance for TCF20-related condition. Last evaluated: 2022-10-26. Review status: criteria provided, single submitter. Criteria: ACMG Guidelines, 2015. Collection method: clinical testing. Allele origin: germline.
Comment: The TCF20 c.4934C>T variant is predicted to result in the amino acid substitution p.Ala1645Val. To our knowledge, this variant has not been reported in the literature. This variant is reported in 0.0062% of alleles in individuals of African descent in gnomAD. At this time, the clinical significance of this variant is uncertain due to the absence of conclusive functional and genetic evidence.